The following is an entry in ClinVar:

ClinVar aggregate classification (germline): Pathogenic (1 of 4 stars; one submission).

Conditions:
Developmental and epileptic encephalopathy. Identifiers: MedGen C5779964, MONDO:0100620.

Submission:

Labcorp Genetics (formerly Invitae), Labcorp
Classification: Pathogenic for Early-infantile DEE. Last evaluated: 2023-11-24. Review status: criteria provided, single submitter. Criteria: Invitae Variant Classification Sherloc (09022015). Collection method: clinical testing. Allele origin: unknown.
Comment: A gross deletion of the genomic region encompassing the full coding sequence of the ST3GAL3 gene has been identified. Loss-of-function variants in ST3GAL3 are known to be pathogenic (PMID: 31584066). The boundaries of this event are unknown as they extend beyond the assayed region for this gene and therefore may encompass additional genes. This variant has not been reported in the literature in individuals affected with ST3GAL3-related conditions. For these reasons, this variant has been classified as Pathogenic.

Literature cited by the submitters: PubMed 31584066.

NC_000001.10:g.(?_44201934)_(44482805_?)del

Genes: ARTN (artemin; plus strand), ATP6V0B (ATPase H+ transporting V0 subunit b; plus strand), B4GALT2 (beta-1,4-galactosyltransferase 2; plus strand), CCDC24 (coiled-coil domain containing 24; plus strand), DPH2 (diphthamide biosynthesis 2; plus strand) and 3 more. Cytogenetic location: 1p34.1.
Variant type: Deletion.
Identifiers: ClinVar variation 3247692 (VCV003247692.1).